The following is an entry in ClinVar:

ClinVar aggregate classification (germline): Pathogenic (1 of 4 stars; one submission).

Submission:

Labcorp Genetics (formerly Invitae), Labcorp
Classification: Pathogenic. Last evaluated: 2025-12-21. Review status: criteria provided, single submitter. Criteria: Invitae Variant Classification Sherloc (09022015). Collection method: clinical testing. Allele origin: germline.
Comment: This sequence change creates a premature translational stop signal (p.Ala48Lysfs*19) in the NTHL1 gene. It is expected to result in an absent or disrupted protein product. Loss-of-function variants in NTHL1 are known to be pathogenic (PMID: 25938944, 26559593). This variant is not present in population databases (gnomAD no frequency). This variant has not been reported in the literature in individuals affected with NTHL1-related conditions. For these reasons, this variant has been classified as Pathogenic.

Literature cited by the submitters: PubMed 25938944; PubMed 26559593.

NC_000016.10:g.2046360_2046367del

Gene: NTHL1 (nth like DNA glycosylase 1; minus strand). Cytogenetic location: 16p13.3.
Variant type: Deletion.
Genome position: GRCh38 VCF-style: chr16-2046356-TTTCCTCGC-T. GRCh37 (hg19) VCF-style: chr16-2096357-TTTCCTCGC-T.
Identifiers: ClinVar variation 4733485 (VCV004733485.1).